The following is an entry in ClinVar:

ClinVar aggregate classification (germline): Uncertain significance (1 of 4 stars; one submission).

Submission:

GeneDx
Classification: Uncertain significance. Last evaluated: 2025-06-10. Review status: criteria provided, single submitter. Criteria: GeneDx Variant Classification Process June 2021. Collection method: clinical testing. Allele origin: germline. Affected: yes.
Comment: In-frame deletion of 62 amino acid(s) and insertion of 1 different amino acid(s) in a non-repeat region; Not observed at significant frequency in large population cohorts (gnomAD); In silico analysis supports a deleterious effect on protein structure/function; Has not been previously published as pathogenic or benign to our knowledge

NM_003482.4(KMT2D):c.12691_12874delinsG (p.Leu4231_Pro4292delinsAla)

Gene: KMT2D (lysine methyltransferase 2D; minus strand). Cytogenetic location: 12q13.12.
Variant type: Indel.
Coding change: c.12691_12874delinsG on transcript NM_003482.4 (MANE Select); coding-DNA positions 12691 to 12874, the reference bases replaced by G.
Protein change: p.Leu4231_Pro4292delinsAla.
Molecular consequence: inframe indel.
Genome position (GRCh38, 1-based): chr12:49,031,831-49,032,014, 184 bases replaced. GRCh37 (hg19): chr12:49,425,614-49,425,797.
Other names: c.12691_12874del184insG, p.Leu4231_Pro4292delinsAla (NM_003482.3).
Identifiers: ClinVar variation 4537590 (VCV004537590.1).